The following is an entry in ClinVar:

NM_001303256.3(MORC2):c.2629G>C (p.Ala877Pro)

Gene: MORC2 (MORC family CW-type zinc finger 2; minus strand). Cytogenetic location: 22q12.2.
Variant type: single nucleotide variant.
Coding change: c.2629G>C on transcript NM_001303256.3 (MANE Select); coding-DNA position 2629, G replaced by C.
Protein change: p.Ala877Pro; replaces alanine 877 with proline.
Molecular consequence: missense variant.
Genome position (GRCh38, 1-based): chr22:30,932,663, C>G on the plus strand (G>C on the coding strand, the complement: MORC2 is on the minus strand). VCF-style: chr22-30932663-C-G. GRCh37 (hg19) VCF-style: chr22-31328650-C-G.
Other names: c.2629G>C, p.Ala877Pro (NM_001303257.2); c.2443G>C, p.Ala815Pro (NM_014941.3); short protein forms A815P, A877P.
Identifiers: ClinVar variation 3360700 (VCV003360700.2).
Genomic context (GRCh38, chr22:30,932,663, plus strand): 5'-CAGGCTCAATGCGGAGGCATTCGGAAGTGGAGGGCTCTGCGACAGCTATGGCCTGCTGGG[C>G]CACAGGGCCCACCTCCTCCTCCCCGCCCTCCTGTTGTGTATCAAGGCTCTGATGTTCCGG-3'
Protein context (NP_001290185.1, residues 867-887): EGGEEEVGPV[Ala877Pro]QQAIAVAEPS

ClinVar aggregate classification (germline): Uncertain significance (1 of 4 stars; one submission).

Submission:

GeneDx
Classification: Uncertain significance. Last evaluated: 2025-10-24. Review status: criteria provided, single submitter. Criteria: GeneDx Variant Classification Process June 2021. Collection method: clinical testing. Allele origin: germline.
Comment: Not observed at significant frequency in large population cohorts (gnomAD); In silico analysis suggests that this missense variant does not alter protein structure/function; Has not been previously published as pathogenic or benign to our knowledge